The following is an entry in ClinVar:

ClinVar aggregate classification (germline): Conflicting classifications of pathogenicity. Review status: criteria provided, conflicting classifications (1 of 4 stars). 3 submissions from 3 submitters: Uncertain significance (2); Benign (1). Last evaluated 2026-03-17.

Conditions:
Neurofibromatosis, type 2 (SWNV). Also called: BILATERAL ACOUSTIC NEUROFIBROMATOSIS; SCHWANNOMATOSIS, VESTIBULAR; NF2-Related Schwannomatosis. Identifiers: Orphanet 637, MedGen C0027832, MONDO:0007039, OMIM 101000. Disease mechanism: loss of function.
Hereditary cancer-predisposing syndrome. Also called: Neoplastic Syndromes, Hereditary; Hereditary Cancer Syndrome; Tumor predisposition; Hereditary neoplastic syndrome. Identifiers: Orphanet 140162, MedGen C0027672, MeSH D009386, MONDO:0015356.

Allele frequency attached by ClinVar (database versions not stated): ExAC 0.00001; gnomAD exomes 0.00001.
gnomAD v4.1: 3 of 1,614,156 alleles (0.00019%); highest among the groups gnomAD compares: Admixed American, 0.0033%; no homozygotes.

Submissions (3):

GeneDx
Classification: Uncertain significance. Last evaluated: 2026-03-17. Review status: criteria provided, single submitter. Criteria: GeneDx Variant Classification Process June 2021. Collection method: clinical testing. Allele origin: germline.
Comment: In silico analysis supports that this missense variant has a deleterious effect on protein structure/function; Has not been previously published as pathogenic or benign to our knowledge; This variant is associated with the following publications: (PMID: 11756419, 16324214)

Color Diagnostics, LLC DBA Color Health
Classification: Uncertain significance for Neurofibromatosis, type 2. Last evaluated: 2025-08-12. Review status: criteria provided, single submitter. Criteria: ACMG Guidelines, 2015. Collection method: clinical testing. Allele origin: germline.
Comment: This missense variant replaces glutamic acid with lysine at codon 112 of the NF2 protein. Computational prediction is inconclusive regarding the impact of this variant on protein structure and function. To our knowledge, functional studies have not been reported for this variant. This variant has not been reported in individuals affected with NF2-related disorders in the literature. This variant has been identified in 3/251462 chromosomes in the general population by the Genome Aggregation Database (gnomAD). The available evidence is insufficient to determine the role of this variant in disease conclusively. Therefore, this variant is classified as a Variant of Uncertain Significance.

Ambry Genetics
Classification: Benign for Hereditary cancer-predisposing syndrome. Last evaluated: 2024-11-01. Review status: criteria provided, single submitter. Criteria: Ambry Variant Classification Scheme 2023. Collection method: clinical testing. Allele origin: germline.

NM_000268.4(NF2):c.334G>A (p.Glu112Lys)

Gene: NF2 (NF2, moesin-ezrin-radixin like (MERLIN) tumor suppressor; plus strand). Cytogenetic location: 22q12.2.
Variant type: single nucleotide variant.
Coding change: c.334G>A on transcript NM_000268.4 (MANE Select); coding-DNA position 334, G replaced by A.
Protein change: p.Glu112Lys; replaces glutamic acid 112 with lysine.
Molecular consequence: missense variant. On other transcripts: non-coding transcript variant (1), intron variant (3).
Genome position (GRCh38, 1-based): chr22:29,639,183, G>A. VCF-style: chr22-29639183-G-A. GRCh37 (hg19) VCF-style: chr22-30035172-G-A.
Other names: c.334G>A, p.Glu112Lys (NM_016418.5, NM_181825.3, NM_181832.3 and 1 more transcripts); c.208G>A, p.Glu70Lys (NM_181828.3); c.240+2307G>A (NM_181829.3); c.115-3019G>A (NM_181830.3, NM_181831.3); short protein forms E70K, E112K.
Identifiers: ClinVar variation 823645 (VCV000823645.7), dbSNP rs781593146, ClinGen allele CA030281.